The following is an entry in ClinVar:

NM_000091.5(COL4A3):c.4559C>A (p.Ser1520Ter)

Genes: MFF-DT (MFF divergent transcript; minus strand), COL4A3 (collagen type IV alpha 3 chain; plus strand). Cytogenetic location: 2q36.3.
Variant type: single nucleotide variant.
Coding change: c.4559C>A on transcript NM_000091.5 (MANE Select); coding-DNA position 4559, C replaced by A.
Protein change: p.Ser1520Ter; replaces serine 1520 with a stop codon.
Molecular consequence: nonsense.
Genome position (GRCh38, 1-based): chr2:227,308,995, C>A. VCF-style: chr2-227308995-C-A. GRCh37 (hg19) VCF-style: chr2-228173711-C-A.
Other names: short protein forms S1520*.
Identifiers: ClinVar variation 1725573 (VCV001725573.2), dbSNP rs2469937391, ClinGen allele CA350865135.
Genomic context (GRCh38, chr2:227,308,995, plus strand): 5'-TGCCATTCTTATTCTGCAATGTCAATGATGTATGTAATTTTGCATCTCGAAATGATTATT[C>A]ATACTGGCTGTCAACACCAGCTCTGATGCCAATGAACATGGCTCCCATTACTGGCAGAGC-3'

ClinVar aggregate classification (germline): Likely pathogenic (1 of 4 stars; one submission).

Conditions:
Autosomal recessive Alport syndrome (ATS2). Also called: COL4A3-Related Nephropathy; COL4A4 Alport Syndrome and Thin Basement Membrane Nephropathy; ALPORT SYNDROME 2, AUTOSOMAL RECESSIVE; Alport syndrome type 2. Identifiers: Orphanet 63, Orphanet 88919, MedGen C4746745, MONDO:0008762, OMIM 203780.

Submission:

Myriad Genetics, Inc.
Classification: Likely pathogenic for Autosomal recessive Alport syndrome. Last evaluated: 2022-03-30. Review status: criteria provided, single submitter. Criteria: Myriad Women's Health Autosomal Recessive and X-Linked Classification Criteria (2021). Collection method: clinical testing. Allele origin: unknown.
Comment: NM_000091.4(COL4A3):c.4559C>A(S1520*) is expected to be pathogenic in the context of COL4A3-related Alport syndrome. This variant is predicted to lead to an abnormal or absent protein product due to the creation of a premature termination codon in COL4A3, a gene where loss-of-function variants are known to be pathogenic. Please note: this variant was assessed in the context of healthy population screening.